The following is an entry in ClinVar:

ClinVar aggregate classification (germline): Uncertain significance (1 of 4 stars; one submission).

Conditions:
RASopathy. Also called: Noonan spectrum disorder; rasopathies. Identifiers: Orphanet 536391, MedGen C5555857, MONDO:0021060.

Allele frequency attached by ClinVar (database versions not stated): gnomAD exomes 0.00001.
gnomAD v4.1: 8 of 1,556,680 alleles (0.00051%); highest among the groups gnomAD compares: Non-Finnish European, 0.0007%; no homozygotes.

Submission:

Labcorp Genetics (formerly Invitae), Labcorp
Classification: Uncertain significance for RASopathy. Last evaluated: 2024-06-11. Review status: criteria provided, single submitter. Criteria: Invitae Variant Classification Sherloc (09022015). Collection method: clinical testing. Allele origin: germline.
Comment: This sequence change replaces alanine, which is neutral and non-polar, with valine, which is neutral and non-polar, at codon 26 of the MAP2K1 protein (p.Ala26Val). This variant is not present in population databases (gnomAD no frequency). This variant has not been reported in the literature in individuals affected with MAP2K1-related conditions. ClinVar contains an entry for this variant (Variation ID: 2419481). Advanced modeling of protein sequence and biophysical properties (such as structural, functional, and spatial information, amino acid conservation, physicochemical variation, residue mobility, and thermodynamic stability) performed at Invitae indicates that this missense variant is not expected to disrupt MAP2K1 protein function with a negative predictive value of 95%. In summary, the available evidence is currently insufficient to determine the role of this variant in disease. Therefore, it has been classified as a Variant of Uncertain Significance.

NM_002755.4(MAP2K1):c.77C>T (p.Ala26Val)

Gene: MAP2K1 (mitogen-activated protein kinase kinase 1; plus strand). Cytogenetic location: 15q22.31.
Variant type: single nucleotide variant.
Coding change: c.77C>T on transcript NM_002755.4 (MANE Select); coding-DNA position 77, C replaced by T.
Protein change: p.Ala26Val; replaces alanine 26 with valine.
Molecular consequence: missense variant.
Genome position (GRCh38, 1-based): chr15:66,387,424, C>T. VCF-style: chr15-66387424-C-T. GRCh37 (hg19) VCF-style: chr15-66679762-C-T.
Other names: short protein forms A26V.
Identifiers: ClinVar variation 2419481 (VCV002419481.6), dbSNP rs1290811972, ClinGen allele CA392931740.
Genomic context (GRCh38, chr15:66,387,424, plus strand): 5'-CGACGCCCATCCAGCTGAACCCGGCCCCCGACGGCTCTGCAGTTAACGGGACCAGCTCTG[C>T]GGAGTAAGTATGGGGCGGGCGGTGAACCTCGGGGCCCGGCTGGGGAGGCCCGAGCCGGGG-3'
Protein context (NP_002746.1, residues 16-36): DGSAVNGTSS[Ala26Val]ETNLEALQKK